The following is an entry in ClinVar:

ClinVar aggregate classification (germline): Uncertain significance (1 of 4 stars; one submission).

Allele frequency attached by ClinVar (database versions not stated): TOPMed below 0.00001; ExAC 0.00018; gnomAD 0.00001.

Submission:

Labcorp Genetics (formerly Invitae), Labcorp
Classification: Uncertain significance. Last evaluated: 2022-08-01. Review status: criteria provided, single submitter. Criteria: Invitae Variant Classification Sherloc (09022015). Collection method: clinical testing. Allele origin: germline.
Comment: This sequence change falls in intron 8 of the TYMP gene. It does not directly change the encoded amino acid sequence of the TYMP protein. This variant is not present in population databases (gnomAD no frequency). This variant has not been reported in the literature in individuals affected with TYMP-related conditions. Algorithms developed to predict the effect of sequence changes on RNA splicing suggest that this variant may disrupt the consensus splice site. In summary, the available evidence is currently insufficient to determine the role of this variant in disease. Therefore, it has been classified as a Variant of Uncertain Significance.

NM_001953.5(TYMP):c.1160-16G>A

Genes: SCO2 (synthesis of cytochrome C oxidase 2; minus strand), TYMP (thymidine phosphorylase; minus strand), LOC130067862 (ATAC-STARR-seq lymphoblastoid silent region 13986; plus strand). Cytogenetic location: 22q13.33.
Variant type: single nucleotide variant.
Coding change: c.1160-16G>A on transcript NM_001953.5 (MANE Select); 16 bases into the intron before coding-DNA position 1160, G replaced by A.
Molecular consequence: intron variant. On other transcripts: splice acceptor variant (1).
Genome position (GRCh38, 1-based): chr22:50,526,157, C>T on the plus strand (G>A on the coding strand, the complement: TYMP is on the minus strand). VCF-style: chr22-50526157-C-T. GRCh37 (hg19) VCF-style: chr22-50964586-C-T.
Other names: c.-14+89G>A (NM_001169109.2); c.1160-1G>A (NM_001257989.1); c.1160-16G>A (NM_001257988.1, NM_001113755.3, NM_001113756.3).
Identifiers: ClinVar variation 2201382 (VCV002201382.1), dbSNP rs745432349, ClinGen allele CA10321448.
Genomic context (GRCh38, chr22:50,526,157, plus strand): 5'-GCAGCACCAGCGCCAGCGGCAGCGCCCGGACCAGCTCCACGGTGCCTGCGGGGAGAGGGG[C>T]TGAGAGGCGCGGGCTCGGGAAGGGGCGGGGCCTCGGGAAGGGAAGGGGATGGCGGAGGCG-3'